The following is an entry in ClinVar:

NM_153676.4(USH1C):c.*131G>C

Gene: USH1C (USH1 protein network component harmonin; minus strand). Cytogenetic location: 11p15.1.
Variant type: single nucleotide variant.
Coding change: c.*131G>C on transcript NM_153676.4 (MANE Select); 131 bases downstream of the stop codon, G replaced by C.
Molecular consequence: 3 prime UTR variant. On other transcripts: non-coding transcript variant (1).
Genome position (GRCh38, 1-based): chr11:17,494,201, C>G on the plus strand (G>C on the coding strand, the complement: USH1C is on the minus strand). VCF-style: chr11-17494201-C-G. GRCh37 (hg19) VCF-style: chr11-17515748-C-G.
Other names: c.*163G>C (NM_001297764.2, NM_005709.4).
Identifiers: ClinVar variation 879078 (VCV000879078.4), dbSNP rs550402400, ClinGen allele CA218479109.

ClinVar aggregate classification (germline): Likely benign (1 of 4 stars; one submission).

Conditions:
Usher syndrome type 1C. Also called: USHER SYNDROME, TYPE I, ACADIAN VARIETY. Identifiers: Orphanet 231169, Orphanet 886, MedGen C1848604, MONDO:0010171, OMIM 276904.

Allele frequency attached by ClinVar (database versions not stated): gnomAD 0.00001 and 0.00037; TOPMed 0.00002; gnomAD exomes 0.00078; 1000 Genomes Project 30x 0.00359; 1000 Genomes Project 0.00399.

Submission:

Illumina Laboratory Services, Illumina
Classification: Likely benign for Usher syndrome type 1C. Last evaluated: 2018-01-13. Review status: criteria provided, single submitter. Criteria: ICSL Variant Classification Criteria 13 December 2019. Collection method: clinical testing. Allele origin: germline.
Comment: This variant was observed in the ICSL laboratory as part of a predisposition screen in an ostensibly healthy population. It had not been previously curated by ICSL or reported in the Human Gene Mutation Database (HGMD: prior to June 1st, 2018), and was therefore a candidate for classification through an automated scoring system. Utilizing variant allele frequency, disease prevalence and penetrance estimates, and inheritance mode, an automated score was calculated to assess if this variant is too frequent to cause the disease. Based on the score and internal cut-off values, a variant classified as likely benign is not then subjected to further curation. The score for this variant resulted in a classification of likely benign for this disease.